The following is an entry in ClinVar:

NM_003128.3(SPTBN1):c.2120A>T (p.Glu707Val)

Gene: SPTBN1 (spectrin beta, non-erythrocytic 1; plus strand). Cytogenetic location: 2p16.2.
Variant type: single nucleotide variant.
Coding change: c.2120A>T on transcript NM_003128.3 (MANE Select); coding-DNA position 2120, A replaced by T.
Protein change: p.Glu707Val; replaces glutamic acid 707 with valine.
Molecular consequence: missense variant.
Genome position (GRCh38, 1-based): chr2:54,629,254, A>T. VCF-style: chr2-54629254-A-T. GRCh37 (hg19) VCF-style: chr2-54856391-A-T.
Other names: c.2081A>T, p.Glu694Val (NM_178313.3); short protein forms E694V, E707V.
Identifiers: ClinVar variation 4976186 (VCV004976186.1).

ClinVar aggregate classification (germline): Uncertain significance (1 of 4 stars; one submission).

Submission:

GeneDx
Classification: Uncertain significance. Last evaluated: 2026-02-21. Review status: criteria provided, single submitter. Criteria: GeneDx Variant Classification Process June 2021. Collection method: clinical testing. Allele origin: germline.
Comment: Not observed at significant frequency in large population cohorts (gnomAD); In silico analysis supports that this missense variant has a deleterious effect on protein structure/function; Has not been previously published as pathogenic or benign to our knowledge